The following is an entry in ClinVar:

NM_001367721.1(CASK):c.1843-1G>A

Gene: CASK (calcium/calmodulin dependent serine protein kinase; minus strand). Cytogenetic location: Xp11.4.
Variant type: single nucleotide variant.
Coding change: c.1843-1G>A on transcript NM_001367721.1 (MANE Select); the canonical splice acceptor site of the intron before coding-DNA position 1843, G replaced by A.
Molecular consequence: splice acceptor variant.
Genome position (GRCh38, 1-based): chrX:41,553,916, C>T on the plus strand (G>A on the coding strand, the complement: CASK is on the minus strand). VCF-style: chrX-41553916-C-T. GRCh37 (hg19) VCF-style: chrX-41413169-C-T.
Other names: c.1756-1G>A (NM_001126055.3); c.1825-1G>A (NM_001410745.1); c.1774-1G>A (NM_001126054.3); c.1843-1G>A (NM_003688.4).
Identifiers: ClinVar variation 3075664 (VCV003075664.1), dbSNP rs2519752309, ClinGen allele CA412993504.

ClinVar aggregate classification (germline): Pathogenic (1 of 4 stars; one submission).

Conditions:
Syndromic X-linked intellectual disability Najm type (MICPCH). Also called: Intellectual developmental disorder and microcephaly with pontine and cerebellar hypoplasia; Mental retardation and microcephaly with pontine and cerebellar hypoplasia; MENTAL RETARDATION, X-LINKED, SYNDROMIC, NAJM TYPE; MICPCH SYNDROME; Intellectual Disability and Microcephaly with Pontine and Cerebellar Hypoplasia; Intellectual Disability and Microcephaly with Pontine and Cerebellar Hypoplasia (MICPCH). Identifiers: Orphanet 163937, MedGen C2677903, MONDO:0010417, OMIM 300749.
FG syndrome 4 (FGS4). Identifiers: MedGen C1845546, MONDO:0010318, OMIM 300422.

Submission:

North West Genomic Laboratory Hub, Manchester University NHS Foundation Trust
Classification: Pathogenic for Syndromic X-linked intellectual disability Najm type; FG syndrome 4. Last evaluated: 2020-01-14. Review status: criteria provided, single submitter. Criteria: ACMG Guidelines, 2015. Collection method: clinical testing. Allele origin: germline. Affected: yes.
Comment: Criteria Codes: PVS1 PS2_Mod PM2